The following is an entry in ClinVar:

NM_004360.5(CDH1):c.1018A>T (p.Thr340Ser)

Gene: CDH1 (cadherin 1; plus strand). Cytogenetic location: 16q22.1.
Variant type: single nucleotide variant.
Coding change: c.1018A>T on transcript NM_004360.5 (MANE Select); coding-DNA position 1018, A replaced by T.
Protein change: p.Thr340Ser; replaces threonine 340 with serine.
Molecular consequence: missense variant. On other transcripts: 5 prime UTR variant (2).
Genome position (GRCh38, 1-based): chr16:68,812,144, A>T. VCF-style: chr16-68812144-A-T. GRCh37 (hg19) VCF-style: chr16-68846047-A-T.
Other names: c.1018A>T (LRG_301t1); c.1018A>T, p.Thr340Ser (NM_001317184.2); c.-598A>T (NM_001317185.2); c.-802A>T (NM_001317186.2); short protein forms T340S.
Identifiers: ClinVar variation 422742 (VCV000422742.30), dbSNP rs116093741, ClinGen allele CA8129987.

ClinVar aggregate classification (germline): Conflicting classifications of pathogenicity. Review status: criteria provided, conflicting classifications (1 of 4 stars). 8 submissions from 8 submitters: Uncertain significance (7); Benign (1). Last evaluated 2026-03-19.

Conditions:
CDH1-related disorder. Also called: CDH1-related condition.
Hereditary cancer-predisposing syndrome. Also called: Hereditary Cancer Syndrome; Tumor predisposition; Hereditary neoplastic syndrome; Neoplastic Syndromes, Hereditary. Identifiers: Orphanet 140162, MedGen C0027672, MeSH D009386, MONDO:0015356.
Hereditary diffuse gastric adenocarcinoma (HDGC). Also called: DIFFUSE GASTRIC AND LOBULAR BREAST CANCER SYNDROME. Identifiers: Orphanet 26106, MedGen C1708349, MONDO:0007648, OMIM 137215.

Allele frequency attached by ClinVar (database versions not stated): TOPMed 0.00004.
gnomAD v4.1: 6 of 1,613,904 alleles (0.00037%); highest among the groups gnomAD compares: Admixed American, 0.005%; no homozygotes.

Submissions (8):

PreventionGenetics, part of Exact Sciences
Classification: Uncertain significance for CDH1-related condition. Last evaluated: 2026-03-19. Review status: criteria provided, single submitter. Criteria: ACMG Guidelines, 2015. Collection method: clinical testing. Allele origin: germline.
Comment: The CDH1 c.1018A>T variant is predicted to result in the amino acid substitution p.Thr340Ser. To our knowledge, this variant has not been reported in the literature. This variant is reported in 0.0062% of alleles in individuals of African descent in gnomAD and has conflicting interpretations in ClinVar ranging from benign to uncertain (Variation ID: 422742). At this time, the clinical significance of this variant is uncertain due to the absence of conclusive functional and genetic evidence.

Labcorp Genetics (formerly Invitae), Labcorp
Classification: Uncertain significance for Hereditary diffuse gastric adenocarcinoma. Last evaluated: 2025-12-09. Review status: criteria provided, single submitter. Criteria: Invitae Variant Classification Sherloc (09022015). Collection method: clinical testing. Allele origin: germline.
Comment: This sequence change replaces threonine, which is neutral and polar, with serine, which is neutral and polar, at codon 340 of the CDH1 protein (p.Thr340Ser). This variant is present in population databases (rs116093741, gnomAD 0.007%). This variant has not been reported in the literature in individuals affected with CDH1-related conditions. ClinVar contains an entry for this variant (Variation ID: 422742). An algorithm developed to predict the effect of missense changes on protein structure and function (PolyPhen-2) suggests that this variant is likely to be tolerated. In summary, the available evidence is currently insufficient to determine the role of this variant in disease. Therefore, it has been classified as a Variant of Uncertain Significance.

Color Diagnostics, LLC DBA Color Health
Classification: Uncertain significance for Hereditary cancer-predisposing syndrome. Last evaluated: 2025-03-04. Review status: criteria provided, single submitter. Criteria: ACMG Guidelines, 2015. Collection method: clinical testing. Allele origin: germline.
Comment: This missense variant replaces threonine with serine at codon 340 of the CDH1 protein. To our knowledge, functional studies have not been performed for this variant. This variant has been detected in a breast cancer case-control meta-analysis in 1/60466 cases and 0/53461 unaffected individuals (PMID: 33471991; Leiden Open Variation Database DB-ID CDH1_000520). This variant has been identified in 3/251482 chromosomes in the general population by the Genome Aggregation Database (gnomAD). The available evidence is insufficient to determine the role of this variant in disease conclusively. Therefore, this variant is classified as a Variant of Uncertain Significance.

Ambry Genetics
Classification: Benign for Hereditary cancer-predisposing syndrome. Last evaluated: 2024-06-28. Review status: criteria provided, single submitter. Criteria: Ambry Variant Classification Scheme 2023. Collection method: clinical testing. Allele origin: germline.

St. Jude Molecular Pathology, St. Jude Children's Research Hospital
Classification: Uncertain significance for Hereditary diffuse gastric adenocarcinoma. Last evaluated: 2023-04-20. Review status: criteria provided, single submitter. Criteria: St. Jude Assertion Criteria 2020. Collection method: clinical testing. Allele origin: germline.
Comment: The CDH1 c.1018A>T (p.Thr340Ser) missense change has a maximum subpopulation frequency of 0.0062% in gnomAD v2.1.1. To our knowledge, this variant has not been reported in the literature in individuals with diffuse gastric and lobular breast cancer syndrome. In summary, the evidence currently available is insufficient to determine the clinical significance of this variant. It has therefore been classified as of uncertain significance.

GeneDx
Classification: Uncertain significance. Last evaluated: 2023-01-13. Review status: criteria provided, single submitter. Criteria: GeneDx Variant Classification Process June 2021. Collection method: clinical testing. Allele origin: germline. Affected: yes.
Comment: Not observed at significant frequency in large population cohorts (gnomAD); In silico analysis supports that this missense variant does not alter protein structure/function; Observed in an individual with breast cancer (Dorling et al., 2021); This variant is associated with the following publications: (PMID: 33471991, 15235021, 22850631)

Sema4
Classification: Uncertain significance for Hereditary cancer-predisposing syndrome. Last evaluated: 2021-08-09. Review status: criteria provided, single submitter. Criteria: Sema4 Curation Guidelines. Collection method: curation. Allele origin: germline.
Comment: The CDH1 c.1018A>T (p.T340S) variant has been reported in heterozygosity in at least one individual with breast cancer (PMID: 33471991). This variant was observed in 1/16256 chromosomes in the African population according to the Genome Aggregation Database (PMID: 32461654) and has been reported in ClinVar (Variation ID: 422742). In silico tools suggest the impact of the variant on protein function is benign, though these predictions have not been confirmed by functional studies. Based on the current evidence available, this variant is interpreted as a variant of uncertain significance.

Illumina Laboratory Services, Illumina
Classification: Uncertain significance for Hereditary diffuse gastric adenocarcinoma. Last evaluated: 2018-01-12. Review status: criteria provided, single submitter. Criteria: ICSL Variant Classification Criteria 13 December 2019. Collection method: clinical testing. Allele origin: germline.

Literature cited by the submitters: PubMed 33471991 (cited by 3 submitters).